The following is an entry in ClinVar:

NM_001904.4(CTNNB1):c.1308G>A (p.Met436Ile)

Genes: CTNNB1 (catenin beta 1; plus strand), LOC126806659 (BRD4-independent group 4 enhancer GRCh37_chr3:41274918-41276117; plus strand). Cytogenetic location: 3p22.1.
Variant type: single nucleotide variant.
Coding change: c.1308G>A on transcript NM_001904.4 (MANE Select); coding-DNA position 1308, G replaced by A.
Protein change: p.Met436Ile; replaces methionine 436 with isoleucine.
Molecular consequence: missense variant.
Genome position (GRCh38, 1-based): chr3:41,233,651, G>A. VCF-style: chr3-41233651-G-A. GRCh37 (hg19) VCF-style: chr3-41275142-G-A.
Other names: c.1308G>A, p.Met436Ile (NM_001098209.2, NM_001098210.2); c.1287G>A, p.Met429Ile (NM_001330729.2); short protein forms M429I, M436I.
Identifiers: ClinVar variation 2124907 (VCV002124907.4), dbSNP rs2125639432, ClinGen allele CA352232974.
Genomic context (GRCh38, chr3:41,233,651, plus strand): 5'-GGTCACCTGTGCAGCTGGAATTCTTTCTAACCTCACTTGCAATAATTATAAGAACAAGAT[G>A]ATGGTCTGCCAAGTGGGTGGTATAGAGGCTCTTGTGCGTACTGTCCTTCGGGCTGGTGAC-3'
Protein context (NP_001895.1, residues 426-446): NLTCNNYKNK[Met436Ile]MVCQVGGIEA

ClinVar aggregate classification (germline): Uncertain significance (1 of 4 stars; one submission).

gnomAD v4.1: 1 of 1,614,192 alleles (0.000062%); no homozygotes.

Submission:

Labcorp Genetics (formerly Invitae), Labcorp
Classification: Uncertain significance. Last evaluated: 2023-10-25. Review status: criteria provided, single submitter. Criteria: Invitae Variant Classification Sherloc (09022015). Collection method: clinical testing. Allele origin: germline.
Comment: This sequence change replaces methionine, which is neutral and non-polar, with isoleucine, which is neutral and non-polar, at codon 436 of the CTNNB1 protein (p.Met436Ile). This variant is not present in population databases (gnomAD no frequency). This variant has not been reported in the literature in individuals affected with CTNNB1-related conditions. ClinVar contains an entry for this variant (Variation ID: 2124907). Advanced modeling of protein sequence and biophysical properties (such as structural, functional, and spatial information, amino acid conservation, physicochemical variation, residue mobility, and thermodynamic stability) performed at Invitae indicates that this missense variant is not expected to disrupt CTNNB1 protein function with a negative predictive value of 80%. In summary, the available evidence is currently insufficient to determine the role of this variant in disease. Therefore, it has been classified as a Variant of Uncertain Significance.